The following is an entry in ClinVar:

NM_000030.3(AGXT):c.976del (p.Val326fs)

Gene: AGXT (alanine--glyoxylate aminotransferase; plus strand). Cytogenetic location: 2q37.3.
Variant type: Deletion.
Coding change: c.976del on transcript NM_000030.3 (MANE Select); coding-DNA position 976, one base deleted (G; older notation c.976delG).
Protein change: p.Val326fs; shifts the reading frame from valine 326.
Molecular consequence: frameshift variant.
Genome position (GRCh38, 1-based): chr2:240,878,055, G deleted. VCF-style (leftmost placement, unchanged base first): chr2-240878054-TG-T. GRCh37 (hg19) VCF-style: chr2-241817471-TG-T.
Other names: short protein forms V326fs.
Identifiers: ClinVar variation 189161 (VCV000189161.15), dbSNP rs180177301, ClinGen allele CA274440.

ClinVar aggregate classification (germline): Pathogenic. Review status: criteria provided, multiple submitters, no conflicts (2 of 4 stars). 6 submissions from 6 submitters: Pathogenic (4). 2 of the submissions do not count toward it. Last evaluated 2025-06-03.

Conditions:
Primary hyperoxaluria. Identifiers: Orphanet 416, MedGen C0020501, MONDO:0002474.
Primary hyperoxaluria, type I (HP1). Also called: GLYCOLIC ACIDURIA; HEPATIC AGT DEFICIENCY; OXALOSIS I; Primary hyperoxaluria type 1. Identifiers: Orphanet 416, Orphanet 93598, MedGen C0268164, MONDO:0009823, OMIM 259900. Disease mechanism: loss of function.

Allele frequency attached by ClinVar (database versions not stated): gnomAD exomes below 0.00001 and 0.00001; ESP Exome Variant Server 0.00008; TOPMed below 0.00001.

Submissions (6):

Labcorp Genetics (formerly Invitae), Labcorp
Classification: Pathogenic. Last evaluated: 2025-06-03. Review status: criteria provided, single submitter. Criteria: Invitae Variant Classification Sherloc (09022015). Collection method: clinical testing. Allele origin: germline.
Comment: This sequence change creates a premature translational stop signal (p.Val326Tyrfs*15) in the AGXT gene. It is expected to result in an absent or disrupted protein product. Loss-of-function variants in AGXT are known to be pathogenic (PMID: 19479957). This variant is present in population databases (rs180177301, gnomAD 0.002%). This premature translational stop signal has been observed in individuals with hyperoxaluria (PMID: 22844106, 26383609). ClinVar contains an entry for this variant (Variation ID: 189161). For these reasons, this variant has been classified as Pathogenic.

MVZ Medizinische Genetik Mainz
Classification: Pathogenic for Primary hyperoxaluria, type I. Last evaluated: 2023-10-11. Review status: criteria provided, single submitter. Criteria: UK Practice Guidelines For Variant Classification V4 01 2020. Collection method: clinical testing. Allele origin: germline. Inheritance: Autosomal recessive inheritance. Affected: yes. Observed: 1 variant allele.
Comment: ACMG Criteria: PVS1,PM3_STR,PM2_SUP

Neuberg Centre For Genomic Medicine, NCGM
Classification: Pathogenic for Primary hyperoxaluria, type I. Last evaluated: 2023-06-22. Review status: criteria provided, single submitter. Criteria: ACMG Guidelines, 2015. Collection method: clinical testing. Allele origin: germline. Inheritance: Autosomal recessive inheritance. Affected: yes.
Comment: The frameshift c.976del (p.Val326TyrfsTer15) variant in AGXT gene has been previously reported in compound heterozygous and homozygous state in multiple individuals affected with Hyperoxaluria, primary, type 1 (Boualla et. al., 2015; Van der Hoeven et. al., 2012). The p.Val326TyrfsTer15 variant is present with allele frequency of 0.0008% in gnomAD exomes database. This variant has been submitted to the ClinVar database as Likely Pathogenic / Pathogenic (multiple submitters). This variant causes a frameshift starting with codon Valine 326, changes this amino acid to Tyrosine residue, and creates a premature Stop codon at position 15 of the new reading frame, denoted p.Val326TyrfsTer15. It is expected to result in an absent or disrupted protein product. Loss-offunction variants in AGXT are known to be pathogenic (Williams et. al., 2009). For these reasons, this variant has been classified as Pathogenic. In the absence of another reportable variant in AGXT gene, the molecular diagnosis is not confirmed.

Women's Health and Genetics/Laboratory Corporation of America, LabCorp
Classification: Pathogenic for Primary hyperoxaluria. Last evaluated: 2021-03-12. Review status: criteria provided, single submitter. Criteria: LabCorp Variant Classification Summary - May 2015. Collection method: clinical testing. Allele origin: germline.
Comment: Variant summary: AGXT c.976delG (p.Val326TyrfsX15) results in a premature termination codon, predicted to cause a truncation of the encoded protein or absence of the protein due to nonsense mediated decay, which are commonly known mechanisms for disease. The variant allele was found at a frequency of 8e-06 in 249898 control chromosomes (gnomAD and publication data). c.976delG has been reported in the literature in multiple individuals affected with Primary Hyperoxaluria Type 1 (Pirulli_1999, van der Hoeven_2012, Kuhn_2014, Isiyel_2016). These data indicate that the variant is very likely to be associated with disease. To our knowledge, no experimental evidence demonstrating an impact on protein function has been reported. One ClinVar submitter (evaluation after 2014) cites the variant as likely pathogenic. Based on the evidence outlined above, the variant was classified as pathogenic.

Counsyl
Classification: Likely pathogenic for Primary hyperoxaluria, type I. Last evaluated: 2015-01-28. Review status: no assertion criteria provided. Collection method: literature only. Allele origin: unknown. Inheritance: Autosomal recessive inheritance. Not counted in ClinVar's aggregate classification.

Clinical Biochemistry Laboratory, Health Services Laboratory
Classification: Pathogenic for Primary hyperoxaluria, type I. Last evaluated: 2014-11-27. Review status: no assertion criteria provided. Collection method: research. Allele origin: germline. Affected: yes. Not counted in ClinVar's aggregate classification.

Literature cited by the submitters: PubMed 19479957 (cited by Labcorp Genetics (formerly Invitae), Labcorp); PubMed 22844106 (cited by 3 submitters); PubMed 26383609 (cited by Labcorp Genetics (formerly Invitae), Labcorp); PubMed 12768081 (cited by Women's Health and Genetics/Laboratory Corporation of America, LabCorp); PubMed 24385516 (cited by Women's Health and Genetics/Laboratory Corporation of America, LabCorp); PubMed 27915025 (cited by Women's Health and Genetics/Laboratory Corporation of America, LabCorp); PubMed 10453743 (cited by 3 submitters); PubMed 11562405 (cited by Counsyl); PubMed 24988064 (cited by Counsyl).